The following is an entry in ClinVar:

NM_003060.4(SLC22A5):c.621G>C (p.Gln207His)

Gene: SLC22A5 (solute carrier family 22 member 5; plus strand). Cytogenetic location: 5q31.1.
Variant type: single nucleotide variant.
Coding change: c.621G>C on transcript NM_003060.4 (MANE Select); coding-DNA position 621, G replaced by C.
Protein change: p.Gln207His; replaces glutamine 207 with histidine.
Molecular consequence: missense variant.
Genome position (GRCh38, 1-based): chr5:132,384,270, G>C. VCF-style: chr5-132384270-G-C. GRCh37 (hg19) VCF-style: chr5-131719962-G-C.
Other names: c.693G>C, p.Gln231His (NM_001308122.2); short protein forms Q207H, Q231H.
Identifiers: ClinVar variation 3251546 (VCV003251546.2), dbSNP rs746623532.

ClinVar aggregate classification (germline): Conflicting classifications of pathogenicity. Review status: criteria provided, conflicting classifications (1 of 4 stars). 2 submissions from 2 submitters: Likely pathogenic (1); Uncertain significance (1). Last evaluated 2024-05-03.

Conditions:
Renal carnitine transport defect (CDSP). Also called: Carnitine transporter deficiency; Carnitine Deficiency, Systemic; Systemic primary carnitine deficiency disease; CARNITINE DEFICIENCY, SYSTEMIC, DUE TO DEFECT IN RENAL REABSORPTION OF CARNITINE; CARNITINE TRANSPORTER, PLASMA-MEMBRANE, DEFICIENCY OF; CARNITINE UPTAKE DEFECT. Identifiers: Orphanet 158, MedGen C0342788, MONDO:0008919, OMIM 212140.

Allele frequency attached by ClinVar (database versions not stated): TOPMed below 0.00001; ExAC 0.00001; gnomAD 0.00001.
gnomAD v4.1: 7 of 1,614,152 alleles (0.00043%); highest among the groups gnomAD compares: South Asian, 0.0055%; no homozygotes.

Submissions (2):

Fulgent Genetics
Classification: Likely pathogenic for Renal carnitine transport defect. Last evaluated: 2024-05-03. Review status: criteria provided, single submitter. Criteria: ACMG Guidelines, 2015. Collection method: clinical testing. Allele origin: germline.

Women's Health and Genetics/Laboratory Corporation of America, LabCorp
Classification: Uncertain significance. Last evaluated: 2024-04-29. Review status: criteria provided, single submitter. Criteria: LabCorp Variant Classification Summary - May 2015. Collection method: clinical testing. Allele origin: germline.
Comment: Variant summary: SLC22A5 c.621G>C (p.Gln207His) results in a non-conservative amino acid change located in the Major facilitator superfamily domain (IPR020846) of the encoded protein sequence. Three of five in-silico tools predict a benign effect of the variant on protein function. The variant allele was found at a frequency of 4e-06 in 251496 control chromosomes. To our knowledge, no occurrence of c.621G>C in individuals affected with Systemic Primary Carnitine Deficiency has been reported. At least one publication reports experimental evidence evaluating an impact on protein function. In vitro analysis showed reduced sodium-dependent carnitine transport (Inano_2004). The following publication has been ascertained in the context of this evaluation (PMID: 15499185). No submitters have cited clinical-significance assessments for this variant to ClinVar. Based on the evidence outlined above, the variant was classified as VUS-possibly pathogenic.

Literature cited by the submitters: PubMed 15499185 (cited by Women's Health and Genetics/Laboratory Corporation of America, LabCorp).